The following is an entry in ClinVar:

NM_004006.3(DMD):c.3800G>T (p.Cys1267Phe)

Gene: DMD (dystrophin; minus strand). Cytogenetic location: Xp21.1.
Variant type: single nucleotide variant.
Coding change: c.3800G>T on transcript NM_004006.3 (MANE Select); coding-DNA position 3800, G replaced by T.
Protein change: p.Cys1267Phe; replaces cysteine 1267 with phenylalanine.
Molecular consequence: missense variant.
Genome position (GRCh38, 1-based): chrX:32,441,301, C>A on the plus strand (G>T on the coding strand, the complement: DMD is on the minus strand). VCF-style: chrX-32441301-C-A. GRCh37 (hg19) VCF-style: chrX-32459418-C-A.
Other names: c.3776G>T, p.Cys1259Phe (NM_000109.4); c.3788G>T, p.Cys1263Phe (NM_004009.3); c.3431G>T, p.Cys1144Phe (NM_004010.3); short protein forms C1144F, C1259F, C1263F, C1267F.
Identifiers: ClinVar variation 1058741 (VCV001058741.10), dbSNP rs2098280665, ClinGen allele CA412670590.
Genomic context (GRCh38, chrX:32,441,301, plus strand): 5'-AATTCTACTTCATTTAGCCACTTGTTTGCTTTCTCCAAGTATGACAATAACTCATGCCAA[C>A]ATGCCCAAACTTCCTAAGAAAGAAATATATATCACAGATTAAATATTATGGTAGAAAAGT-3'
Protein context (NP_003997.2, residues 1257-1277): KCKTLEEVWA[Cys1267Phe]WHELLSYLEK

ClinVar aggregate classification (germline): Uncertain significance. Review status: criteria provided, single submitter (1 of 4 stars). 2 submissions from 2 submitters: Uncertain significance (1). 1 of the submissions does not count toward it. Last evaluated 2020-10-08.

Conditions:
Cardiomyopathy (CMYO). Also called: Cardiomyopathies. Identifiers: Orphanet 167848, MedGen C0878544, MONDO:0004994, HP:0001638. Inheritance: Various modes of inheritance.
Dystrophin deficiency.
Duchenne muscular dystrophy (DMD). Also called: MUSCULAR DYSTROPHY, PSEUDOHYPERTROPHIC PROGRESSIVE, DUCHENNE TYPE; Duchenne Muscular Dystrophy (DMD). Identifiers: Orphanet 98896, MedGen C0013264, MONDO:0010679, OMIM 310200.
Becker muscular dystrophy (BMD). Also called: Becker Muscular Dystrophy (BMD); MUSCULAR DYSTROPHY, PSEUDOHYPERTROPHIC PROGRESSIVE, BECKER TYPE. Identifiers: Orphanet 98895, MedGen C0917713, MONDO:0010311, OMIM 300376.

Allele frequency attached by ClinVar (database versions not stated): TOPMed below 0.00001.

Submissions (2):

Labcorp Genetics (formerly Invitae), Labcorp
Classification: Uncertain significance for Duchenne muscular dystrophy. Last evaluated: 2020-10-08. Review status: criteria provided, single submitter. Criteria: Invitae Variant Classification Sherloc (09022015). Collection method: clinical testing. Allele origin: germline.
Comment: In summary, the available evidence is currently insufficient to determine the role of this variant in disease. Therefore, it has been classified as a Variant of Uncertain Significance. Algorithms developed to predict the effect of missense changes on protein structure and function are either unavailable or do not agree on the potential impact of this missense change (SIFT: "Tolerated"; PolyPhen-2: "Possibly Damaging"; Align-GVGD: "Class C0"). This variant has not been reported in the literature in individuals with DMD-related conditions. This variant is not present in population databases (ExAC no frequency). This sequence change replaces cysteine with phenylalanine at codon 1267 of the DMD protein (p.Cys1267Phe). The cysteine residue is highly conserved and there is a large physicochemical difference between cysteine and phenylalanine.

Natera, Inc.
Classification: Uncertain significance for Becker muscular dystrophy; Cardiomyopathy; Duchenne muscular dystrophy; Dystrophin deficiency. Last evaluated: 2018-05-18. Review status: no assertion criteria provided. Collection method: clinical testing. Allele origin: germline. Not counted in ClinVar's aggregate classification.